The following is an entry in ClinVar:

NM_001278669.2(NFATC1):c.670G>A (p.Gly224Arg)

Gene: NFATC1 (nuclear factor of activated T cells 1; plus strand). Cytogenetic location: 18q23.
Variant type: single nucleotide variant.
Coding change: c.670G>A on transcript NM_001278669.2 (MANE Select); coding-DNA position 670, G replaced by A.
Protein change: p.Gly224Arg; replaces glycine 224 with arginine.
Molecular consequence: missense variant. On other transcripts: intron variant (2).
Genome position (GRCh38, 1-based): chr18:79,410,945, G>A. VCF-style: chr18-79410945-G-A. GRCh37 (hg19) VCF-style: chr18-77170945-G-A.
Other names: c.631G>A (NM_172387.1); c.670G>A, p.Gly224Arg (NM_001278670.2, NM_006162.5, NM_172390.3); c.631G>A, p.Gly211Arg (NM_001278672.2, NM_001278675.2, NM_172387.3 and 1 more transcripts); c.-191+14594G>A (NM_172388.3); c.-191+10466G>A (NM_001278673.2); short protein forms G224R, G211R.
Identifiers: ClinVar variation 1493061 (VCV001493061.10), dbSNP rs150129624, ClinGen allele CA9008890.

ClinVar aggregate classification (germline): Uncertain significance. Review status: criteria provided, multiple submitters, no conflicts (2 of 4 stars). 2 submissions from 2 submitters: Uncertain significance (2). Last evaluated 2025-04-30.

Allele frequency attached by ClinVar (database versions not stated): ExAC 0.00002; gnomAD exomes 0.00002; gnomAD 0.00003 and 0.00004; TOPMed 0.00006; ESP Exome Variant Server 0.00023.
gnomAD v4.1: 13 of 1,602,306 alleles (0.00081%); highest among the groups gnomAD compares: African/African-American, 0.008%; no homozygotes.

Submissions (2):

Ambry Genetics
Classification: Uncertain significance. Last evaluated: 2025-04-30. Review status: criteria provided, single submitter. Criteria: Ambry Variant Classification Scheme 2023. Collection method: clinical testing. Allele origin: germline.

Labcorp Genetics (formerly Invitae), Labcorp
Classification: Uncertain significance. Last evaluated: 2022-05-26. Review status: criteria provided, single submitter. Criteria: Invitae Variant Classification Sherloc (09022015). Collection method: clinical testing. Allele origin: germline.
Comment: Algorithms developed to predict the effect of sequence changes on RNA splicing suggest that this variant may create or strengthen a splice site. In summary, the available evidence is currently insufficient to determine the role of this variant in disease. Therefore, it has been classified as a Variant of Uncertain Significance. Algorithms developed to predict the effect of missense changes on protein structure and function are either unavailable or do not agree on the potential impact of this missense change (SIFT: "Tolerated"; PolyPhen-2: "Possibly Damaging"; Align-GVGD: "Class C0"). This variant has not been reported in the literature in individuals affected with NFATC1-related conditions. This variant is present in population databases (rs150129624, gnomAD 0.01%). This sequence change replaces glycine, which is neutral and non-polar, with arginine, which is basic and polar, at codon 224 of the NFATC1 protein (p.Gly224Arg).